The following is an entry in ClinVar:

ClinVar aggregate classification (germline): Uncertain significance. Review status: criteria provided, multiple submitters, no conflicts (2 of 4 stars). 2 submissions from 2 submitters: Uncertain significance (2). Last evaluated 2024-03-14.

Conditions:
Wiedemann-Steiner syndrome (WDSTS). Also called: Growth deficiency and mental retardation with facial dysmorphism. Identifiers: Orphanet 319182, MedGen C1854630, MONDO:0011518, OMIM 605130.

Allele frequency attached by ClinVar (database versions not stated): gnomAD exomes below 0.00001.
gnomAD v4.1: 3 of 1,614,186 alleles (0.00019%); highest among the groups gnomAD compares: Non-Finnish European, 0.00025%; no homozygotes.

Submissions (2):

Genomic Medicine Center of Excellence, King Faisal Specialist Hospital and Research Centre
Classification: Uncertain significance for Wiedemann-Steiner syndrome. Last evaluated: 2024-03-14. Review status: criteria provided, single submitter. Criteria: ACMG Guidelines, 2015. Collection method: research. Allele origin: germline.

CeGaT Center for Human Genetics Tuebingen
Classification: Uncertain significance. Last evaluated: 2023-10-01. Review status: criteria provided, single submitter. Criteria: CeGaT Center For Human Genetics Tuebingen Variant Classification Criteria Version 2. Collection method: clinical testing. Allele origin: germline. Affected: yes. Observed: 2 variant alleles.
Comment: KMT2A: PM2, PS2:Moderate, PP3, BP1

NM_001197104.2(KMT2A):c.3248G>A (p.Arg1083Gln)

Gene: KMT2A (lysine methyltransferase 2A; plus strand). Cytogenetic location: 11q23.3.
Variant type: single nucleotide variant.
Coding change: c.3248G>A on transcript NM_001197104.2 (MANE Select); coding-DNA position 3248, G replaced by A.
Protein change: p.Arg1083Gln; replaces arginine 1083 with glutamine.
Molecular consequence: missense variant.
Genome position (GRCh38, 1-based): chr11:118,476,896, G>A. VCF-style: chr11-118476896-G-A. GRCh37 (hg19) VCF-style: chr11-118347611-G-A.
Other names: c.3347G>A, p.Arg1116Gln (NM_001412597.1); c.3248G>A, p.Arg1083Gln (NM_005933.4); short protein forms R1083Q, R1116Q.
Identifiers: ClinVar variation 2498535 (VCV002498535.30), dbSNP rs2134282557, ClinGen allele CA382823879.